The following is an entry in ClinVar:

NM_001164508.2(NEB):c.22351C>G (p.Gln7451Glu)

Genes: NEB (nebulin; minus strand), RIF1 (replication timing regulatory factor 1; plus strand). Cytogenetic location: 2q23.3.
Variant type: single nucleotide variant.
Coding change: c.22351C>G on transcript NM_001164508.2 (MANE Select); coding-DNA position 22351, C replaced by G.
Protein change: p.Gln7451Glu; replaces glutamine 7451 with glutamic acid.
Molecular consequence: missense variant.
Genome position (GRCh38, 1-based): chr2:151,524,538, G>C on the plus strand (C>G on the coding strand, the complement: NEB is on the minus strand). VCF-style: chr2-151524538-G-C. GRCh37 (hg19) VCF-style: chr2-152381052-G-C.
Other names: c.22351C>G, p.Gln7451Glu (NM_001164507.2); c.22456C>G, p.Gln7486Glu (NM_001271208.2); c.17248C>G, p.Gln5750Glu (NM_004543.5); short protein forms Q7451E, Q7486E, Q5750E.
Identifiers: ClinVar variation 1037408 (VCV001037408.8), dbSNP rs2084197089, ClinGen allele CA348764975.

ClinVar aggregate classification (germline): Uncertain significance (1 of 4 stars; one submission).

Conditions:
Nemaline myopathy 2 (NEM2). Also called: Nemaline myopathy 2, autosomal recessive. Identifiers: MedGen C1850569, MONDO:0009725, OMIM 256030.

Submission:

Labcorp Genetics (formerly Invitae), Labcorp
Classification: Uncertain significance for Nemaline myopathy 2. Last evaluated: 2025-04-07. Review status: criteria provided, single submitter. Criteria: Invitae Variant Classification Sherloc (09022015). Collection method: clinical testing. Allele origin: germline.
Comment: This sequence change replaces glutamine, which is neutral and polar, with glutamic acid, which is acidic and polar, at codon 7486 of the NEB protein (p.Gln7486Glu). This variant is not present in population databases (gnomAD no frequency). This variant has not been reported in the literature in individuals affected with NEB-related conditions. ClinVar contains an entry for this variant (Variation ID: 1037408). Experimental studies and prediction algorithms are not available or were not evaluated, and the functional significance of this variant is currently unknown. In summary, the available evidence is currently insufficient to determine the role of this variant in disease. Therefore, it has been classified as a Variant of Uncertain Significance.